The following is an entry in ClinVar:

ClinVar aggregate classification (germline): Conflicting classifications of pathogenicity. Review status: criteria provided, conflicting classifications (1 of 4 stars). 3 submissions from 3 submitters: Uncertain significance (2); Likely benign (1). Last evaluated 2026-07-09.

Conditions:
Neurofibromatosis, type 1 (NF1). Also called: VON RECKLINGHAUSEN DISEASE; Neurofibromatosis, type I; Peripheral type neurofibromatosis; NEUROFIBROMATOSIS, TYPE I, SOMATIC. Identifiers: Orphanet 636, MedGen C0027831, MONDO:0018975, OMIM 162200. Disease mechanism: loss of function.
Hereditary cancer-predisposing syndrome. Also called: Neoplastic Syndromes, Hereditary; Hereditary Cancer Syndrome; Hereditary neoplastic syndrome; Tumor predisposition. Identifiers: Orphanet 140162, MedGen C0027672, MeSH D009386, MONDO:0015356.
Cardiovascular phenotype. Identifiers: MedGen CN230736.

Submissions (3):

Ambry Genetics
Classification: Likely benign for Cardiovascular phenotype; Hereditary cancer-predisposing syndrome. Last evaluated: 2026-07-09. Review status: criteria provided, single submitter. Criteria: Ambry Variant Classification Scheme 2023. Collection method: clinical testing. Allele origin: germline.

Labcorp Genetics (formerly Invitae), Labcorp
Classification: Uncertain significance for Neurofibromatosis, type 1. Last evaluated: 2025-08-18. Review status: criteria provided, single submitter. Criteria: Invitae Variant Classification Sherloc (09022015). Collection method: clinical testing. Allele origin: germline.
Comment: This sequence change replaces threonine, which is neutral and polar, with isoleucine, which is neutral and non-polar, at codon 2443 of the NF1 protein (p.Thr2443Ile). This variant is not present in population databases (gnomAD no frequency). This variant has not been reported in the literature in individuals affected with NF1-related conditions. ClinVar contains an entry for this variant (Variation ID: 657313). Invitae Evidence Modeling of protein sequence and biophysical properties (such as structural, functional, and spatial information, amino acid conservation, physicochemical variation, residue mobility, and thermodynamic stability) indicates that this missense variant is not expected to disrupt NF1 protein function with a negative predictive value of 95%. In summary, the available evidence is currently insufficient to determine the role of this variant in disease. Therefore, it has been classified as a Variant of Uncertain Significance.

Genome-Nilou Lab
Classification: Uncertain significance for Neurofibromatosis, type 1. Last evaluated: 2022-03-15. Review status: criteria provided, single submitter. Criteria: ACMG Guidelines, 2015. Collection method: clinical testing. Allele origin: germline. Affected: no.

NM_001042492.3(NF1):c.7391C>T (p.Thr2464Ile)

Gene: NF1 (neurofibromin 1; plus strand). Cytogenetic location: 17q11.2.
Variant type: single nucleotide variant.
Coding change: c.7391C>T on transcript NM_001042492.3 (MANE Select); coding-DNA position 7391, C replaced by T.
Protein change: p.Thr2464Ile; replaces threonine 2464 with isoleucine.
Molecular consequence: missense variant.
Genome position (GRCh38, 1-based): chr17:31,350,252, C>T. VCF-style: chr17-31350252-C-T. GRCh37 (hg19) VCF-style: chr17-29677270-C-T.
Other names: c.7328C>T, p.Thr2443Ile (NM_000267.4); short protein forms T2443I, T2464I.
Identifiers: ClinVar variation 657313 (VCV000657313.12), dbSNP rs1597859696, ClinGen allele CA399017090.
Genomic context (GRCh38, chr17:31,350,252, plus strand): 5'-CAGTGTCTGAAGAAGTTCGAAGTCGCTGCAGCCTAAAACATAGAAAGTCACTTCTTCTTA[C>T]TGATATTTCAATGGAAAATGTTCCTATGGATACATATCCCATTCATCATGGTGACCCTTC-3'
Protein context (NP_001035957.1, residues 2454-2474): SLKHRKSLLL[Thr2464Ile]DISMENVPMD